The following is an entry in ClinVar:

ClinVar aggregate classification (germline): Uncertain significance (1 of 4 stars; one submission).

Conditions:
Baller-Gerold syndrome (BGS). Also called: CRANIOSYNOSTOSIS WITH RADIAL DEFECTS. Identifiers: Orphanet 1225, MedGen C0265308, MONDO:0009039, OMIM 218600.

Submission:

Labcorp Genetics (formerly Invitae), Labcorp
Classification: Uncertain significance for Baller-Gerold syndrome. Last evaluated: 2022-08-09. Review status: criteria provided, single submitter. Criteria: Invitae Variant Classification Sherloc (09022015). Collection method: clinical testing. Allele origin: germline.
Comment: In summary, the available evidence is currently insufficient to determine the role of this variant in disease. Therefore, it has been classified as a Variant of Uncertain Significance. Experimental studies and prediction algorithms are not available or were not evaluated, and the functional significance of this variant is currently unknown. ClinVar contains an entry for this variant (Variation ID: 1522439). This variant has not been reported in the literature in individuals affected with RECQL4-related conditions. This variant is not present in population databases (gnomAD no frequency). This sequence change replaces tryptophan, which is neutral and slightly polar, with arginine, which is basic and polar, at codon 383 of the RECQL4 protein (p.Trp383Arg).

NM_004260.4(RECQL4):c.1147T>C (p.Trp383Arg)

Gene: RECQL4 (RecQ like helicase 4; minus strand). Cytogenetic location: 8q24.3.
Variant type: single nucleotide variant.
Coding change: c.1147T>C on transcript NM_004260.4 (MANE Select); coding-DNA position 1147, T replaced by C.
Protein change: p.Trp383Arg; replaces tryptophan 383 with arginine.
Molecular consequence: missense variant.
Genome position (GRCh38, 1-based): chr8:144,515,875, A>G on the plus strand (T>C on the coding strand, the complement: RECQL4 is on the minus strand). VCF-style: chr8-144515875-A-G. GRCh37 (hg19) VCF-style: chr8-145741259-A-G.
Other names: short protein forms W383R.
Identifiers: ClinVar variation 1522439 (VCV001522439.5), dbSNP rs1828094038, ClinGen allele CA372687804.